The following is an entry in ClinVar:

ClinVar aggregate classification (germline): Uncertain significance (1 of 4 stars; one submission).

gnomAD v4.1: 1 of 1,613,898 alleles (0.000062%); highest among the groups gnomAD compares: South Asian, 0.0011%; no homozygotes.

Submission:

Labcorp Genetics (formerly Invitae), Labcorp
Classification: Uncertain significance. Last evaluated: 2024-08-22. Review status: criteria provided, single submitter. Criteria: Invitae Variant Classification Sherloc (09022015). Collection method: clinical testing. Allele origin: germline.
Comment: This sequence change replaces leucine, which is neutral and non-polar, with phenylalanine, which is neutral and non-polar, at codon 345 of the LSS protein (p.Leu345Phe). This variant is not present in population databases (gnomAD no frequency). This variant has not been reported in the literature in individuals affected with LSS-related conditions. An algorithm developed to predict the effect of missense changes on protein structure and function (PolyPhen-2) suggests that this variant is likely to be disruptive. In summary, the available evidence is currently insufficient to determine the role of this variant in disease. Therefore, it has been classified as a Variant of Uncertain Significance.

NM_002340.6(LSS):c.1033C>T (p.Leu345Phe)

Gene: LSS (lanosterol synthase; minus strand). Cytogenetic location: 21q22.3.
Variant type: single nucleotide variant.
Coding change: c.1033C>T on transcript NM_002340.6 (MANE Select); coding-DNA position 1033, C replaced by T.
Protein change: p.Leu345Phe; replaces leucine 345 with phenylalanine.
Molecular consequence: missense variant.
Genome position (GRCh38, 1-based): chr21:46,213,814, G>A on the plus strand (C>T on the coding strand, the complement: LSS is on the minus strand). VCF-style: chr21-46213814-G-A. GRCh37 (hg19) VCF-style: chr21-47633728-G-A.
Other names: c.1033C>T, p.Leu345Phe (NM_001001438.3); c.1000C>T, p.Leu334Phe (NM_001145436.2); c.793C>T, p.Leu265Phe (NM_001145437.2); short protein forms L265F, L334F, L345F.
Identifiers: ClinVar variation 3641162 (VCV003641162.2).